The following is an entry in ClinVar:

NM_005733.3(KIF20A):c.169C>G (p.Pro57Ala)

Gene: KIF20A (kinesin family member 20A; plus strand). Cytogenetic location: 5q31.2.
Variant type: single nucleotide variant.
Coding change: c.169C>G on transcript NM_005733.3 (MANE Select); coding-DNA position 169, C replaced by G.
Protein change: p.Pro57Ala; replaces proline 57 with alanine.
Molecular consequence: missense variant.
Genome position (GRCh38, 1-based): chr5:138,181,425, C>G. VCF-style: chr5-138181425-C-G. GRCh37 (hg19) VCF-style: chr5-137517114-C-G.
Other names: short protein forms P57A.
Identifiers: ClinVar variation 2129193 (VCV002129193.4), dbSNP rs2482175645, ClinGen allele CA361111964.

ClinVar aggregate classification (germline): Uncertain significance (1 of 4 stars; one submission).

Submission:

Labcorp Genetics (formerly Invitae), Labcorp
Classification: Uncertain significance. Last evaluated: 2022-04-22. Review status: criteria provided, single submitter. Criteria: Invitae Variant Classification Sherloc (09022015). Collection method: clinical testing. Allele origin: germline.
Comment: In summary, the available evidence is currently insufficient to determine the role of this variant in disease. Therefore, it has been classified as a Variant of Uncertain Significance. Algorithms developed to predict the effect of missense changes on protein structure and function (SIFT, PolyPhen-2, Align-GVGD) all suggest that this variant is likely to be tolerated. This sequence change replaces proline, which is neutral and non-polar, with alanine, which is neutral and non-polar, at codon 57 of the KIF20A protein (p.Pro57Ala). This variant is not present in population databases (gnomAD no frequency). This variant has not been reported in the literature in individuals affected with KIF20A-related conditions.